The following is an entry in ClinVar:

NM_145868.2(ANXA11):c.362C>T (p.Pro121Leu)

Gene: ANXA11 (annexin A11; minus strand). Cytogenetic location: 10q22.3.
Variant type: single nucleotide variant.
Coding change: c.362C>T on transcript NM_145868.2 (MANE Select); coding-DNA position 362, C replaced by T.
Protein change: p.Pro121Leu; replaces proline 121 with leucine.
Molecular consequence: missense variant.
Genome position (GRCh38, 1-based): chr10:80,169,168, G>A on the plus strand (C>T on the coding strand, the complement: ANXA11 is on the minus strand). VCF-style: chr10-80169168-G-A. GRCh37 (hg19) VCF-style: chr10-81928924-G-A.
Other names: c.362C>T, p.Pro121Leu (NM_001157.3, NM_001278407.2, NM_001278408.2 and 1 more transcripts); c.263C>T, p.Pro88Leu (NM_001278409.2); short protein forms P121L, P88L.
Identifiers: ClinVar variation 2190673 (VCV002190673.4), dbSNP rs201092252, ClinGen allele CA5576304.

ClinVar aggregate classification (germline): Uncertain significance (1 of 4 stars; one submission).

Allele frequency attached by ClinVar (database versions not stated): 1000 Genomes Project 30x 0.00016; 1000 Genomes Project 0.00020; TOPMed 0.00020.
gnomAD v4.1: 66 of 1,587,318 alleles (0.0042%); highest among the groups gnomAD compares: Admixed American, 0.028%; no homozygotes.

Submission:

Labcorp Genetics (formerly Invitae), Labcorp
Classification: Uncertain significance. Last evaluated: 2025-11-17. Review status: criteria provided, single submitter. Criteria: Invitae Variant Classification Sherloc (09022015). Collection method: clinical testing. Allele origin: germline.
Comment: This sequence change replaces proline, which is neutral and non-polar, with leucine, which is neutral and non-polar, at codon 121 of the ANXA11 protein (p.Pro121Leu). This variant is present in population databases (rs201092252, gnomAD 0.01%). This variant has not been reported in the literature in individuals affected with ANXA11-related conditions. ClinVar contains an entry for this variant (Variation ID: 2190673). Experimental studies and prediction algorithms are not available or were not evaluated, and the functional significance of this variant is currently unknown. In summary, the available evidence is currently insufficient to determine the role of this variant in disease. Therefore, it has been classified as a Variant of Uncertain Significance.